The following is an entry in ClinVar:

NM_022773.4(LMF1):c.1352G>A (p.Arg451Gln)

Gene: LMF1 (lipase maturation factor 1; minus strand). Cytogenetic location: 16p13.3.
Variant type: single nucleotide variant.
Coding change: c.1352G>A on transcript NM_022773.4 (MANE Select); coding-DNA position 1352, G replaced by A.
Protein change: p.Arg451Gln; replaces arginine 451 with glutamine.
Molecular consequence: missense variant. On other transcripts: non-coding transcript variant (1), intron variant (1).
Genome position (GRCh38, 1-based): chr16:869,947, C>T on the plus strand (G>A on the coding strand, the complement: LMF1 is on the minus strand). VCF-style: chr16-869947-C-T. GRCh37 (hg19) VCF-style: chr16-919947-C-T.
Other names: p.Arg451Gln; c.701G>A, p.Arg234Gln (NM_001352017.2, NM_001352021.2); c.953G>A, p.Arg318Gln (NM_001352018.2); c.1025G>A, p.Arg342Gln (NM_001352019.2); c.1336+16G>A (NM_001352020.1); c.1352G>A (NM_022773.2); short protein forms R342Q, R234Q, R318Q, R451Q.
Identifiers: ClinVar variation 1512346 (VCV001512346.6), dbSNP rs772059919, ClinGen allele CA7797063.
Genomic context (GRCh38, chr16:869,947, plus strand): 5'-AAGGCCGCGAACCACATCAGCCAGTCCAGGCGGTAGTGGTACGGGGAGATGAGGCAGGGC[C>T]GTCTGCTGGGGTCACCTGGCTTGCACTTGAACTCGTAGTCCTCCCACATGGCATCGGGGG-3'
Protein context (NP_073610.2, residues 441-461): FKCKPGDPSR[Arg451Gln]PCLISPYHYR

ClinVar aggregate classification (germline): Uncertain significance. Review status: criteria provided, multiple submitters, no conflicts (2 of 4 stars). 3 submissions from 3 submitters: Uncertain significance (3). Last evaluated 2024-09-19.

Conditions:
Cardiovascular phenotype. Identifiers: MedGen CN230736.

Allele frequency attached by ClinVar (database versions not stated): ExAC 0.00003; gnomAD exomes 0.00008.
gnomAD v4.1: 44 of 1,613,320 alleles (0.0027%); highest among the groups gnomAD compares: Admixed American, 0.03%; no homozygotes.

Submissions (3):

Mayo Clinic Laboratories, Mayo Clinic
Classification: Uncertain significance. Last evaluated: 2024-09-19. Review status: criteria provided, single submitter. Criteria: ACMG Guidelines, 2015. Collection method: clinical testing. Allele origin: germline. Observed: 1 variant allele.
Comment: BP4

Ambry Genetics
Classification: Uncertain significance for Cardiovascular phenotype. Last evaluated: 2024-07-11. Review status: criteria provided, single submitter. Criteria: Ambry Variant Classification Scheme 2023. Collection method: clinical testing. Allele origin: germline.
Comment: The p.R451Q variant (also known as c.1352G>A), located in coding exon 9 of the LMF1 gene, results from a G to A substitution at nucleotide position 1352. The arginine at codon 451 is replaced by glutamine, an amino acid with highly similar properties. This amino acid position is conserved. In addition, this alteration is predicted to be tolerated by in silico analysis. Based on the available evidence, the clinical significance of this variant remains unclear.

Labcorp Genetics (formerly Invitae), Labcorp
Classification: Uncertain significance. Last evaluated: 2022-10-17. Review status: criteria provided, single submitter. Criteria: Invitae Variant Classification Sherloc (09022015). Collection method: clinical testing. Allele origin: germline.
Comment: This sequence change replaces arginine, which is basic and polar, with glutamine, which is neutral and polar, at codon 451 of the LMF1 protein (p.Arg451Gln). This variant is present in population databases (rs772059919, gnomAD 0.04%). This variant has not been reported in the literature in individuals affected with LMF1-related conditions. ClinVar contains an entry for this variant (Variation ID: 1512346). Algorithms developed to predict the effect of missense changes on protein structure and function output the following: SIFT: "Tolerated"; PolyPhen-2: "Possibly Damaging"; Align-GVGD: "Class C0". The glutamine amino acid residue is found in multiple mammalian species, which suggests that this missense change does not adversely affect protein function. In summary, the available evidence is currently insufficient to determine the role of this variant in disease. Therefore, it has been classified as a Variant of Uncertain Significance.